The following is an entry in ClinVar:

ClinVar aggregate classification (germline): Benign/Likely benign. Review status: criteria provided, multiple submitters, no conflicts (2 of 4 stars). 3 submissions from 3 submitters: Benign (1); Likely benign (2). Last evaluated 2025-12-23.

Allele frequency attached by ClinVar (database versions not stated): TOPMed 0.00005; gnomAD 0.00012 and 0.00016; gnomAD exomes 0.00017 and 0.00038; ExAC 0.00037; 1000 Genomes Project 30x 0.00047; 1000 Genomes Project 0.00060.
gnomAD v4.1: 270 of 1,613,392 alleles (0.017%); highest among the groups gnomAD compares: South Asian, 0.17%; 3 homozygotes.

Submissions (3):

Labcorp Genetics (formerly Invitae), Labcorp
Classification: Benign. Last evaluated: 2025-12-23. Review status: criteria provided, single submitter. Criteria: Invitae Variant Classification Sherloc (09022015). Collection method: clinical testing. Allele origin: germline.

CeGaT Center for Human Genetics Tuebingen
Classification: Likely benign. Last evaluated: 2024-08-01. Review status: criteria provided, single submitter. Criteria: CeGaT Center For Human Genetics Tuebingen Variant Classification Criteria Version 2. Collection method: clinical testing. Allele origin: germline. Affected: yes. Observed: 1 variant allele.
Comment: FAT4: BP4, BP7

Blueprint Genetics
Classification: Likely benign. Last evaluated: 2024-03-17. Review status: criteria provided, single submitter. Criteria: ACMG Guidelines, 2015. Collection method: clinical testing. Allele origin: germline.

NM_001291303.3(FAT4):c.7326G>A (p.Ala2442=)

Gene: FAT4 (FAT atypical cadherin 4; plus strand). Cytogenetic location: 4q28.1.
Variant type: single nucleotide variant.
Coding change: c.7326G>A on transcript NM_001291303.3 (MANE Select); coding-DNA position 7326, G replaced by A.
Protein change: p.Ala2442=; no amino-acid change (alanine 2442 retained).
Molecular consequence: synonymous variant.
Genome position (GRCh38, 1-based): chr4:125,446,419, G>A. VCF-style: chr4-125446419-G-A. GRCh37 (hg19) VCF-style: chr4-126367574-G-A.
Other names: c.7326G>A, p.Ala2442= (NM_001291285.3); c.7320G>A, p.Ala2440= (NM_024582.6).
Identifiers: ClinVar variation 754815 (VCV000754815.25), dbSNP rs201829586, ClinGen allele CA3073164.
Genomic context (GRCh38, chr4:125,446,419, plus strand): 5'-CGCATTGTTAGATAGGGAAACAAAAGATAATTATACTTTGGTAGTGGTCTGCAGTGATGC[G>A]GGATCCCCAGAGCCTCTTTCCAGTTCCACCAGTGTGCTTGTCACTGTGACTGATGTCAAT-3'
Protein context (NP_001278232.1, residues 2432-2452): NYTLVVVCSD[Ala2442=]GSPEPLSSST